The following is an entry in ClinVar:

ClinVar aggregate classification (germline): Conflicting classifications of pathogenicity. Review status: criteria provided, conflicting classifications (1 of 4 stars). 3 submissions from 3 submitters: Uncertain significance (1); Likely benign (2). Last evaluated 2025-05-05.

Conditions:
Impaired thromboxane A2 agonist-induced platelet aggregation. Identifiers: MedGen C4023141, HP:0011894.

Allele frequency attached by ClinVar (database versions not stated): ESP Exome Variant Server 0.00008; TOPMed 0.00013; gnomAD 0.00014 and 0.00016; gnomAD exomes 0.00021; ExAC 0.00039.

Submissions (3):

Labcorp Genetics (formerly Invitae), Labcorp
Classification: Likely benign. Last evaluated: 2025-05-05. Review status: criteria provided, single submitter. Criteria: Invitae Variant Classification Sherloc (09022015). Collection method: clinical testing. Allele origin: germline.

Women's Health and Genetics/Laboratory Corporation of America, LabCorp
Classification: Likely benign. Last evaluated: 2023-12-07. Review status: criteria provided, single submitter. Criteria: LabCorp Variant Classification Summary - May 2015. Collection method: clinical testing. Allele origin: germline.
Comment: Variant summary: TBXA2R c.713A>G (p.Asp238Gly) results in a non-conservative amino acid change located in the GPCR, rhodopsin-like, 7TM (IPR017452) of the encoded protein sequence. Three of five in-silico tools predict a damaging effect of the variant on protein function. The variant allele was found at a frequency of 0.00021 in 154474 control chromosomes including a total of 32 alleles at a heterozygous state. c.713A>G has been reported in the literature in one unspecified individual affected with abnormal platelet function (example, Downes_2019), without strong evidence for causality. These report(s) do not provide unequivocal conclusions about association of the variant with Bleeding Diathesis Due To Thromboxane Synthesis Deficiency. To our knowledge, no experimental evidence demonstrating an impact on protein function has been reported. The following publication have been ascertained in the context of this evaluation (PMID: 31064749). Two submitters have cited clinical-significance assessments for this variant to ClinVar after 2014. One submitter classified the variant as likely benign, and one submitter classified the variant as uncertain significance. Based on the evidence outlined above, the variant was classified as likely benign.

NIHR Bioresource Rare Diseases, University of Cambridge
Classification: Uncertain significance for Impaired thromboxane A2 agonist-induced platelet aggregation. Last evaluated: 2019-02-01. Review status: criteria provided, single submitter. Criteria: ACMG Guidelines, 2015. Collection method: research. Allele origin: unknown. Affected: yes. Observed: 1 heterozygote. Study: ThromboGenomics.

Literature cited by the submitters: PubMed 31064749 (cited by Women's Health and Genetics/Laboratory Corporation of America, LabCorp and NIHR Bioresource Rare Diseases, University of Cambridge).

NM_001060.6(TBXA2R):c.713A>G (p.Asp238Gly)

Gene: TBXA2R (thromboxane A2 receptor; minus strand). Cytogenetic location: 19p13.3.
Variant type: single nucleotide variant.
Coding change: c.713A>G on transcript NM_001060.6 (MANE Select); coding-DNA position 713, A replaced by G.
Protein change: p.Asp238Gly; replaces aspartic acid 238 with glycine.
Molecular consequence: missense variant.
Genome position (GRCh38, 1-based): chr19:3,599,922, T>C on the plus strand (A>G on the coding strand, the complement: TBXA2R is on the minus strand). VCF-style: chr19-3599922-T-C. GRCh37 (hg19) VCF-style: chr19-3599920-T-C.
Other names: c.713A>G, p.Asp238Gly (NM_201636.3); short protein forms D238G.
Identifiers: ClinVar variation 627364 (VCV000627364.7), dbSNP rs201310328, ClinGen allele CA9080803.
Genomic context (GRCh38, chr19:3,599,922, plus strand): 5'-CAACACACGCTGGCCACCACCATGATCCCCAGGAGCTGAGCCATCATCTCCACCTCGGAG[T>C]CCCGGGGACGCTGCTGGGCCGCCTCCTGCCCGTGGTAGACGTGGCACAGGGTGGCCACGC-3'
Protein context (NP_001051.1, residues 228-248): GQEAAQQRPR[Asp238Gly]SEVEMMAQLL